The following is an entry in ClinVar:

NM_022436.3(ABCG5):c.554T>A (p.Ile185Asn)

Genes: ABCG5 (ATP binding cassette subfamily G member 5; minus strand), DYNC2LI1 (dynein cytoplasmic 2 light intermediate chain 1; plus strand). Cytogenetic location: 2p21.
Variant type: single nucleotide variant.
Coding change: c.554T>A on transcript NM_022436.3 (MANE Select); coding-DNA position 554, T replaced by A.
Protein change: p.Ile185Asn; replaces isoleucine 185 with asparagine.
Molecular consequence: missense variant. On other transcripts: 3 prime UTR variant (2).
Genome position (GRCh38, 1-based): chr2:43,828,063, A>T on the plus strand (T>A on the coding strand, the complement: ABCG5 is on the minus strand). VCF-style: chr2-43828063-A-T. GRCh37 (hg19) VCF-style: chr2-44055202-A-T.
Other names: c.*693A>T (NM_001348912.2, NM_001348913.2); short protein forms I185N.
Identifiers: ClinVar variation 4613330 (VCV004613330.2).

ClinVar aggregate classification (germline): Uncertain significance. Review status: criteria provided, multiple submitters, no conflicts (2 of 4 stars). 2 submissions from 2 submitters: Uncertain significance (2). Last evaluated 2025-11-24.

Conditions:
ABCG5-related disorder. Also called: ABCG5-related condition.
Cardiovascular phenotype. Identifiers: MedGen CN230736.

gnomAD v4.1: 3 of 1,614,126 alleles (0.00019%); highest among the groups gnomAD compares: Admixed American, 0.0017%; no homozygotes.

Submissions (2):

Ambry Genetics
Classification: Uncertain significance for Cardiovascular phenotype. Last evaluated: 2025-11-24. Review status: criteria provided, single submitter. Criteria: Ambry Variant Classification Scheme 2023. Collection method: clinical testing. Allele origin: germline.
Comment: The p.I185N variant (also known as c.554T>A), located in coding exon 5 of the ABCG5 gene, results from a T to A substitution at nucleotide position 554. The isoleucine at codon 185 is replaced by asparagine, an amino acid with dissimilar properties. This amino acid position is conserved. In addition, this alteration is predicted to be deleterious by in silico analysis. Based on the available evidence, the clinical significance of this variant remains unclear.

PreventionGenetics, part of Exact Sciences
Classification: Uncertain significance for ABCG5-related condition. Last evaluated: 2025-10-03. Review status: criteria provided, single submitter. Criteria: ACMG Guidelines, 2015. Collection method: clinical testing. Allele origin: germline.
Comment: The ABCG5 c.554T>A variant is predicted to result in the amino acid substitution p.Ile185Asn. To our knowledge, this variant has not been reported in the literature. This variant is reported in 0.00088% of alleles in individuals of European (Non-Finnish) descent in gnomAD. At this time, the clinical significance of this variant is uncertain due to the absence of conclusive functional and genetic evidence.